The following is an entry in ClinVar:

ClinVar aggregate classification (germline): Benign (1 of 4 stars; one submission).

Allele frequency attached by ClinVar (database versions not stated): gnomAD 0.03977 and 0.04148; TOPMed 0.04491; 1000 Genomes Project 0.05771; 1000 Genomes Project 30x 0.06121.
gnomAD v4.1: 5,986 of 152,246 alleles (3.9%); highest among the groups gnomAD compares: African/African-American, 13%; 378 homozygotes.

Submission:

GeneDx
Classification: Benign. Last evaluated: 2018-06-14. Review status: criteria provided, single submitter. Criteria: GeneDx Variant Classification (06012015). Collection method: clinical testing. Allele origin: germline. Affected: yes.
Comment: This variant is considered likely benign or benign based on one or more of the following criteria: it is a conservative change, it occurs at a poorly conserved position in the protein, it is predicted to be benign by multiple in silico algorithms, and/or has population frequency not consistent with disease.

NM_020247.5(COQ8A):c.655+258T>C

Gene: COQ8A (coenzyme Q8A; plus strand). Cytogenetic location: 1q42.13.
Variant type: single nucleotide variant.
Coding change: c.655+258T>C on transcript NM_020247.5 (MANE Select); 258 bases into the intron after coding-DNA position 655, T replaced by C.
Molecular consequence: intron variant.
Genome position (GRCh38, 1-based): chr1:226,965,995, T>C. VCF-style: chr1-226965995-T-C. GRCh37 (hg19) VCF-style: chr1-227153696-T-C.
Identifiers: ClinVar variation 673075 (VCV000673075.1), dbSNP rs75286417, ClinGen allele CA38629894.